The following is an entry in ClinVar:

ClinVar aggregate classification (germline): Uncertain significance (1 of 4 stars; one submission).

Allele frequency attached by ClinVar (database versions not stated): gnomAD exomes below 0.00001.
gnomAD v4.1: 1 of 1,540,330 alleles (0.000065%); highest among the groups gnomAD compares: South Asian, 0.0012%; no homozygotes.

Submission:

Labcorp Genetics (formerly Invitae), Labcorp
Classification: Uncertain significance. Last evaluated: 2025-03-10. Review status: criteria provided, single submitter. Criteria: Invitae Variant Classification Sherloc (09022015). Collection method: clinical testing. Allele origin: germline.
Comment: This sequence change replaces proline, which is neutral and non-polar, with serine, which is neutral and polar, at codon 43 of the BLOC1S3 protein (p.Pro43Ser). This variant is not present in population databases (gnomAD no frequency). This variant has not been reported in the literature in individuals affected with BLOC1S3-related conditions. ClinVar contains an entry for this variant (Variation ID: 1351839). An algorithm developed to predict the effect of missense changes on protein structure and function outputs the following: PolyPhen-2: "Possibly Damaging". The serine amino acid residue is found in multiple mammalian species, which suggests that this missense change does not adversely affect protein function. In summary, the available evidence is currently insufficient to determine the role of this variant in disease. Therefore, it has been classified as a Variant of Uncertain Significance.

NM_212550.5(BLOC1S3):c.127C>T (p.Pro43Ser)

Gene: BLOC1S3 (biogenesis of lysosomal organelles complex 1 subunit 3; plus strand). Cytogenetic location: 19q13.32.
Variant type: single nucleotide variant.
Coding change: c.127C>T on transcript NM_212550.5 (MANE Select); coding-DNA position 127, C replaced by T.
Protein change: p.Pro43Ser; replaces proline 43 with serine.
Molecular consequence: missense variant.
Genome position (GRCh38, 1-based): chr19:45,179,423, C>T. VCF-style: chr19-45179423-C-T. GRCh37 (hg19) VCF-style: chr19-45682681-C-T.
Other names: short protein forms P43S.
Identifiers: ClinVar variation 1351839 (VCV001351839.6), dbSNP rs2122880476, ClinGen allele CA406344190.